The following is an entry in ClinVar:

NM_014159.7(SETD2):c.2663C>T (p.Pro888Leu)

Gene: SETD2 (SET domain containing 2, histone lysine methyltransferase; minus strand). Cytogenetic location: 3p21.31.
Variant type: single nucleotide variant.
Coding change: c.2663C>T on transcript NM_014159.7 (MANE Select); coding-DNA position 2663, C replaced by T.
Protein change: p.Pro888Leu; replaces proline 888 with leucine.
Molecular consequence: missense variant. On other transcripts: non-coding transcript variant (1).
Genome position (GRCh38, 1-based): chr3:47,121,973, G>A on the plus strand (C>T on the coding strand, the complement: SETD2 is on the minus strand). VCF-style: chr3-47121973-G-A. GRCh37 (hg19) VCF-style: chr3-47163463-G-A.
Other names: c.2531C>T, p.Pro844Leu (NM_001349370.3); short protein forms P844L, P888L.
Identifiers: ClinVar variation 4528136 (VCV004528136.1).
Genomic context (GRCh38, chr3:47,121,973, plus strand): 5'-AGAACTGGAGATGTGTTCTCTCCGCATTTCAAGAGAGTTAGACTGTCCACCTTTATTCCT[G>A]GTGGAAGACTCTGAAGAGATGAAGCAATACCTGAACTCCCAATAGGTTGATATAAATCAT-3'
Protein context (NP_054878.5, residues 878-898): GIASSLQSLP[Pro888Leu]GIKVDSLTLL

ClinVar aggregate classification (germline): Uncertain significance (1 of 4 stars; one submission).

Submission:

GeneDx
Classification: Uncertain significance. Last evaluated: 2025-05-04. Review status: criteria provided, single submitter. Criteria: GeneDx Variant Classification Process June 2021. Collection method: clinical testing. Allele origin: germline. Affected: yes.
Comment: In silico analysis supports that this missense variant has a deleterious effect on protein structure/function; Not observed at significant frequency in large population cohorts (gnomAD); Has not been previously published as pathogenic or benign to our knowledge